The following is an entry in ClinVar:

NM_000548.5(TSC2):c.4042C>T (p.His1348Tyr)

Gene: TSC2 (TSC complex subunit 2; plus strand). Cytogenetic location: 16p13.3.
Variant type: single nucleotide variant.
Coding change: c.4042C>T on transcript NM_000548.5 (MANE Select); coding-DNA position 4042, C replaced by T.
Protein change: p.His1348Tyr; replaces histidine 1348 with tyrosine.
Molecular consequence: missense variant.
Genome position (GRCh38, 1-based): chr16:2,084,264, C>T. VCF-style: chr16-2084264-C-T. GRCh37 (hg19) VCF-style: chr16-2134265-C-T.
Other names: c.3841C>T, p.His1281Tyr (NM_001077183.3); c.3973C>T, p.His1325Tyr (NM_001114382.3); c.3733C>T, p.His1245Tyr (NM_001318827.2); c.3697C>T, p.His1233Tyr (NM_001318829.2); c.3310C>T, p.His1104Tyr (NM_001318831.2); c.3874C>T, p.His1292Tyr (NM_001318832.2); c.3844C>T, p.His1282Tyr (NM_001363528.2); c.3910C>T, p.His1304Tyr (NM_001370404.1); and 2 more; short protein forms H1233Y, H1305Y, H1325Y, H1348Y, H1282Y, H1304Y, H1104Y, H1245Y.
Identifiers: ClinVar variation 1388142 (VCV001388142.10), dbSNP rs2151521367, ClinGen allele CA394299295.

ClinVar aggregate classification (germline): Uncertain significance. Review status: criteria provided, multiple submitters, no conflicts (2 of 4 stars). 4 submissions from 4 submitters: Uncertain significance (4). Last evaluated 2024-07-21.

Conditions:
Lymphangiomyomatosis (LAM). Also called: Lymphangioleiomyomatosis; Lymphangioleiomyomatosis, somatic. Identifiers: Orphanet 538, MedGen C0751674, MONDO:0011705, OMIM 606690.
Isolated focal cortical dysplasia type II (FCORD2). Also called: CORTICAL DYSPLASIA OF TAYLOR; Focal cortical dysplasia type II. Identifiers: Orphanet 268994, MedGen C1846385, MONDO:0011818, OMIM 607341, HP:0032051.
Tuberous sclerosis 2 (TSC2). Identifiers: Orphanet 805, MedGen C1860707, MONDO:0013199, OMIM 613254.
Hereditary cancer-predisposing syndrome. Also called: Hereditary neoplastic syndrome; Neoplastic Syndromes, Hereditary; Hereditary Cancer Syndrome; Tumor predisposition. Identifiers: Orphanet 140162, MedGen C0027672, MeSH D009386, MONDO:0015356.
Tuberous sclerosis syndrome (TSC). Also called: Tuberous Sclerosis Complex; Tuberous sclerosis. Identifiers: Orphanet 805, MedGen C0041341, MONDO:0001734.

gnomAD v4.1: 1 of 1,607,906 alleles (0.000062%); highest among the groups gnomAD compares: South Asian, 0.0011%; no homozygotes.

Submissions (4):

Labcorp Genetics (formerly Invitae), Labcorp
Classification: Uncertain significance for Tuberous sclerosis 2. Last evaluated: 2024-07-21. Review status: criteria provided, single submitter. Criteria: Invitae Variant Classification Sherloc (09022015). Collection method: clinical testing. Allele origin: germline.
Comment: This sequence change replaces histidine, which is basic and polar, with tyrosine, which is neutral and polar, at codon 1348 of the TSC2 protein (p.His1348Tyr). This variant is not present in population databases (gnomAD no frequency). This variant has not been reported in the literature in individuals affected with TSC2-related conditions. ClinVar contains an entry for this variant (Variation ID: 1388142). Advanced modeling of protein sequence and biophysical properties (such as structural, functional, and spatial information, amino acid conservation, physicochemical variation, residue mobility, and thermodynamic stability) performed at Invitae indicates that this missense variant is not expected to disrupt TSC2 protein function with a negative predictive value of 95%. In summary, the available evidence is currently insufficient to determine the role of this variant in disease. Therefore, it has been classified as a Variant of Uncertain Significance.

Ambry Genetics
Classification: Uncertain significance for Hereditary cancer-predisposing syndrome. Last evaluated: 2024-05-15. Review status: criteria provided, single submitter. Criteria: Ambry Variant Classification Scheme 2023. Collection method: clinical testing. Allele origin: germline.
Comment: The p.H1348Y variant (also known as c.4042C>T), located in coding exon 33 of the TSC2 gene, results from a C to T substitution at nucleotide position 4042. The histidine at codon 1348 is replaced by tyrosine, an amino acid with similar properties. This amino acid position is conserved. In addition, the in silico prediction for this alteration is inconclusive. Based on the available evidence, the clinical significance of this variant remains unclear.

Fulgent Genetics
Classification: Uncertain significance for Lymphangiomyomatosis; Isolated focal cortical dysplasia type II; Tuberous sclerosis 2. Last evaluated: 2024-03-28. Review status: criteria provided, single submitter. Criteria: ACMG Guidelines, 2015. Collection method: clinical testing. Allele origin: germline.

All of Us Research Program, National Institutes of Health
Classification: Uncertain significance for Tuberous sclerosis syndrome. Last evaluated: 2023-08-15. Review status: criteria provided, single submitter. Criteria: ACMG Guidelines, 2015. Collection method: clinical testing. Allele origin: germline. Inheritance: Autosomal dominant inheritance. Observed: 1 variant allele, 1 heterozygote.
Comment: This study involves interpretation of variants in research participants for the purpose of population health screening. Participant phenotype was not available at the time of variant classification. Additional details can be found in publication PMID: 35346344, PMCID: PMC8962531